The following is an entry in ClinVar:

NM_000051.4(ATM):c.1830A>G (p.Lys610=)

Gene: ATM (ATM serine/threonine kinase; plus strand). Cytogenetic location: 11q22.3.
Variant type: single nucleotide variant.
Coding change: c.1830A>G on transcript NM_000051.4 (MANE Select); coding-DNA position 1830, A replaced by G.
Protein change: p.Lys610=; no amino-acid change (lysine 610 retained).
Molecular consequence: synonymous variant.
Genome position (GRCh38, 1-based): chr11:108,252,844, A>G. VCF-style: chr11-108252844-A-G. GRCh37 (hg19) VCF-style: chr11-108123571-A-G.
Other names: c.1830A>G, p.Lys610= (NM_001351834.2).
Identifiers: ClinVar variation 1780934 (VCV001780934.9), dbSNP rs2497289824, ClinGen allele CA476672224.

ClinVar aggregate classification (germline): Benign/Likely benign. Review status: criteria provided, multiple submitters, no conflicts (2 of 4 stars). 4 submissions from 4 submitters: Benign (1); Likely benign (2). 1 of the submissions does not count toward it. Last evaluated 2024-05-01.

Conditions:
Familial cancer of breast. Also called: BREAST CANCER, FAMILIAL; Hereditary breast cancer; hereditary breast carcinoma. Identifiers: Orphanet 227535, MedGen C0346153, MONDO:0016419, OMIM 114480. Disease mechanism: loss of function.
Hereditary cancer-predisposing syndrome. Also called: Tumor predisposition; Neoplastic Syndromes, Hereditary; Hereditary Cancer Syndrome; Hereditary neoplastic syndrome. Identifiers: Orphanet 140162, MedGen C0027672, MeSH D009386, MONDO:0015356.
Ataxia-telangiectasia syndrome (AT). Also called: LOUIS-BAR SYNDROME; Cerebello-oculocutaneous telangiectasia; Immunodeficiency with ataxia telangiectasia; Ataxia-telangiectasia, complementation group D; AT, COMPLEMENTATION GROUP C; ATAXIA-TELANGIECTASIA, COMPLEMENTATION GROUP A. Identifiers: Orphanet 100, MedGen C0004135, MONDO:0008840, OMIM 208900.

Submissions (4):

Myriad Genetics, Inc.
Classification: Benign for Familial cancer of breast. Last evaluated: 2024-05-01. Review status: criteria provided, single submitter. Criteria: Myriad Autosomal Dominant, Autosomal Recessive and X-Linked Classification Criteria (2023). Collection method: clinical testing. Allele origin: unknown.
Comment: This variant is considered benign. This variant is a silent/synonymous amino acid change and it is not expected to impact splicing.

Labcorp Genetics (formerly Invitae), Labcorp
Classification: Likely benign for Ataxia-telangiectasia syndrome. Last evaluated: 2022-05-27. Review status: criteria provided, single submitter. Criteria: Invitae Variant Classification Sherloc (09022015). Collection method: clinical testing. Allele origin: germline.

Ambry Genetics
Classification: Likely benign for Hereditary cancer-predisposing syndrome. Last evaluated: 2020-06-03. Review status: criteria provided, single submitter. Criteria: Ambry Variant Classification Scheme 2023. Collection method: clinical testing. Allele origin: germline.

Natera, Inc.
Classification: Uncertain significance for Ataxia-telangiectasia. Last evaluated: 2025-01-09. Review status: no assertion criteria provided. Collection method: clinical testing. Allele origin: germline. Not counted in ClinVar's aggregate classification.